The following is an entry in ClinVar:

ClinVar aggregate classification (germline): Uncertain significance (1 of 4 stars; one submission).

gnomAD v4.1: 1 of 1,613,986 alleles (0.000062%); no homozygotes.

Submission:

Women's Health and Genetics/Laboratory Corporation of America, LabCorp
Classification: Uncertain significance. Last evaluated: 2024-09-30. Review status: criteria provided, single submitter. Criteria: LabCorp Variant Classification Summary - May 2015. Collection method: clinical testing. Allele origin: germline.
Comment: Variant summary: ASL c.478C>A (p.His160Asn) results in a conservative amino acid change located in the Fumarate lyase, N-terminal domain (IPR022761) of the encoded protein sequence. Four of five in-silico tools predict a damaging effect of the variant on protein function. The variant was absent in 250912 control chromosomes (gnomAD). The available data on variant occurrences in the general population are insufficient to allow any conclusion about variant significance. c.478C>A has been reported in the literature in an individual affected with Argininosuccinic Aciduria (Balmer_2014). These data do not allow any conclusion about variant significance. To our knowledge, no experimental evidence demonstrating an impact on protein function has been reported. The following publication has been ascertained in the context of this evaluation (PMID: 24166829). No submitters have cited clinical-significance assessments for this variant to ClinVar. Based on the evidence outlined above, the variant was classified as uncertain significance.

Literature cited by the submitters: PubMed 24166829.

NM_000048.4(ASL):c.478C>A (p.His160Asn)

Gene: ASL (argininosuccinate lyase; plus strand). Cytogenetic location: 7q11.21.
Variant type: single nucleotide variant.
Coding change: c.478C>A on transcript NM_000048.4 (MANE Select); coding-DNA position 478, C replaced by A.
Protein change: p.His160Asn; replaces histidine 160 with asparagine.
Molecular consequence: missense variant.
Genome position (GRCh38, 1-based): chr7:66,086,616, C>A. VCF-style: chr7-66086616-C-A. GRCh37 (hg19) VCF-style: chr7-65551603-C-A.
Other names: c.478C>A, p.His160Asn (NM_001024943.2, NM_001024944.2, NM_001024946.2); short protein forms H160N.
Identifiers: ClinVar variation 3374871 (VCV003374871.1).
Genomic context (GRCh38, chr7:66,086,616, plus strand): 5'-CCCGAGCTTCTGCTCCTCCTCTCCCACAGGGAACGTGATGTTCTCTTCCCGGGGTACACC[C>A]ATTTGCAGAGGGCCCAGCCCATCCGCTGGAGCCACTGGATTCTGAGGTGAGCCAGGTGAG-3'
Protein context (NP_000039.2, residues 150-170): ERDVLFPGYT[His160Asn]LQRAQPIRWS